The following is an entry in ClinVar:

ClinVar aggregate classification (germline): Uncertain significance (1 of 4 stars; one submission).

Submission:

Labcorp Genetics (formerly Invitae), Labcorp
Classification: Uncertain significance. Last evaluated: 2022-04-25. Review status: criteria provided, single submitter. Criteria: Invitae Variant Classification Sherloc (09022015). Collection method: clinical testing. Allele origin: germline.
Comment: In summary, the available evidence is currently insufficient to determine the role of this variant in disease. Therefore, it has been classified as a Variant of Uncertain Significance. Algorithms developed to predict the effect of missense changes on protein structure and function are either unavailable or do not agree on the potential impact of this missense change (SIFT: "Deleterious"; PolyPhen-2: "Probably Damaging"; Align-GVGD: "Class C0"). This variant has not been reported in the literature in individuals affected with MPDZ-related conditions. This variant is not present in population databases (gnomAD no frequency). This sequence change replaces glutamine, which is neutral and polar, with proline, which is neutral and non-polar, at codon 2007 of the MPDZ protein (p.Gln2007Pro).

NM_001378778.1(MPDZ):c.6107A>C (p.Gln2036Pro)

Gene: MPDZ (multiple PDZ domain crumbs cell polarity complex component; minus strand). Cytogenetic location: 9p23.
Variant type: single nucleotide variant.
Coding change: c.6107A>C on transcript NM_001378778.1 (MANE Select); coding-DNA position 6107, A replaced by C.
Protein change: p.Gln2036Pro; replaces glutamine 2036 with proline.
Molecular consequence: missense variant.
Genome position (GRCh38, 1-based): chr9:13,107,071, T>G on the plus strand (A>C on the coding strand, the complement: MPDZ is on the minus strand). VCF-style: chr9-13107071-T-G. GRCh37 (hg19) VCF-style: chr9-13107070-T-G.
Other names: c.6008A>C, p.Gln2003Pro (NM_001261406.2, NM_001375416.1, NM_001375417.1 and 1 more transcripts); c.5921A>C, p.Gln1974Pro (NM_001261407.2, NM_001375419.1); c.6107A>C, p.Gln2036Pro (NM_001330637.2); c.6206A>C, p.Gln2069Pro (NM_001375413.1); c.5897A>C, p.Gln1966Pro (NM_001375420.1, NM_001375421.1, NM_001375422.1 and 2 more transcripts); c.5810A>C, p.Gln1937Pro (NM_001375425.1, NM_001375426.1); c.5699A>C, p.Gln1900Pro (NM_001375427.1); c.6020A>C, p.Gln2007Pro (NM_003829.5); short protein forms Q2003P, Q1900P, Q2036P, Q2069P, Q1937P, Q1966P, Q2007P, Q1974P.
Identifiers: ClinVar variation 2130656 (VCV002130656.4), dbSNP rs2130914626, ClinGen allele CA372938446.
Genomic context (GRCh38, chr9:13,107,071, plus strand): 5'-ATGGCAACAGCTTCTTCATGGGTGACTCCTTCTAGACTCTGCCCATTGACAGCAATGATC[T>G]GATCGCCCCTTTTCAGACGTCCGTCTTCAGAGGCTGCTCCCTGCAAATTATAAAGTAGAC-3'
Protein context (NP_001365707.1, residues 2026-2046): SEDGRLKRGD[Gln2036Pro]IIAVNGQSLE